The following is an entry in ClinVar:

ClinVar aggregate classification (germline): Pathogenic (1 of 4 stars; one submission).

Conditions:
Hereditary cancer-predisposing syndrome. Also called: Neoplastic Syndromes, Hereditary; Tumor predisposition; Hereditary Cancer Syndrome; Hereditary neoplastic syndrome. Identifiers: Orphanet 140162, MedGen C0027672, MeSH D009386, MONDO:0015356.

Submission:

Ambry Genetics
Classification: Pathogenic for Hereditary cancer-predisposing syndrome. Last evaluated: 2025-12-19. Review status: criteria provided, single submitter. Criteria: Ambry Variant Classification Scheme 2023. Collection method: clinical testing. Allele origin: germline.
Comment: The p.W402* pathogenic mutation (also known as c.1206G>A), located in coding exon 13 of the MUTYH gene, results from a G to A substitution at nucleotide position 1206. This changes the amino acid from a tryptophan to a stop codon within coding exon 13. This variant is considered to be rare based on population cohorts in the Genome Aggregation Database (gnomAD). This alteration is expected to result in loss of function by premature protein truncation or nonsense-mediated mRNA decay. As such, this alteration is interpreted as a disease-causing mutation.

NM_001048174.2(MUTYH):c.1122G>A (p.Trp374Ter)

Gene: MUTYH (mutY DNA glycosylase; minus strand). Cytogenetic location: 1p34.1.
Variant type: single nucleotide variant.
Coding change: c.1122G>A on transcript NM_001048174.2 (MANE Select); coding-DNA position 1122, G replaced by A.
Protein change: p.Trp374Ter; replaces tryptophan 374 with a stop codon.
Molecular consequence: nonsense. On other transcripts: non-coding transcript variant (7).
Genome position (GRCh38, 1-based): chr1:45,331,537, C>T on the plus strand (G>A on the coding strand, the complement: MUTYH is on the minus strand). VCF-style: chr1-45331537-C-T. GRCh37 (hg19) VCF-style: chr1-45797209-C-T.
Other names: c.1122G>A, p.Trp374Ter (NM_001048173.2, NM_001407072.1, NM_001407073.1 and 6 more transcripts); c.1206G>A, p.Trp402Ter (NM_001128425.2); c.1038G>A, p.Trp346Ter (NM_001407075.1); c.1155G>A, p.Trp385Ter (NM_001407077.1, NM_001293191.2, NM_001407069.1); c.1125G>A, p.Trp375Ter (NM_001407078.1, NM_001048172.2, NM_001407071.1 and 1 more transcripts); c.1083G>A, p.Trp361Ter (NM_001407079.1); c.1080G>A, p.Trp360Ter (NM_001407080.1); c.777G>A, p.Trp259Ter (NM_001407082.1, NM_001350650.2, NM_001350651.2); and 5 more; short protein forms W259*, W282*, W361*, W374*, W375*, W381*, W346*, W385*.
Identifiers: ClinVar variation 4843751 (VCV004843751.1).